The following is an entry in ClinVar:

ClinVar aggregate classification (germline): Pathogenic (1 of 4 stars; one submission).

Conditions:
Developmental and epileptic encephalopathy. Identifiers: MedGen C5779964, MONDO:0100620.

Submission:

Labcorp Genetics (formerly Invitae), Labcorp
Classification: Pathogenic for Early-infantile DEE. Last evaluated: 2022-06-17. Review status: criteria provided, single submitter. Criteria: Invitae Variant Classification Sherloc (09022015). Collection method: clinical testing. Allele origin: germline.
Comment: For these reasons, this variant has been classified as Pathogenic. This variant has not been reported in the literature in individuals affected with GNAO1-related conditions. This variant is a gross deletion of the genomic region encompassing exon(s) 1-2 of the GNAO1 gene, which includes the initiator codon. This deletion extends beyond the assayed region for this gene and therefore may encompass additional genes. It is expected to result in an absent or disrupted protein product. Loss-of-function variants in GNAO1 are known to be pathogenic (PMID: 28747448).

Literature cited by the submitters: PubMed 28747448.

NC_000016.9:g.(?_56226148)_(56226548_?)del

Gene: GNAO1 (G protein subunit alpha o1; plus strand). Cytogenetic location: 16q12.2.
Variant type: Deletion.
Identifiers: ClinVar variation 1446069 (VCV001446069.6).